The following is an entry in ClinVar:

ClinVar aggregate classification (germline): Conflicting classifications of pathogenicity. Review status: criteria provided, conflicting classifications (1 of 4 stars). 17 submissions from 16 submitters: Uncertain significance (2); Benign (2); Likely benign (8). 5 of the submissions do not count toward it. Last evaluated 2026-09-01.

Conditions:
ABCC9-related disorder. Also called: ABCC9-related disorders; ABCC9-related condition.
Cardiovascular phenotype. Identifiers: MedGen CN230736.
Cardiomyopathy (CMYO). Also called: Cardiomyopathies. Identifiers: Orphanet 167848, MedGen C0878544, MONDO:0004994, HP:0001638. Inheritance: Various modes of inheritance.
Hypertrichotic osteochondrodysplasia Cantu type. Also called: Cantú Syndrome; Cantu Syndrome. Identifiers: Orphanet 1517, MedGen C0795905, MONDO:0009406, OMIM 239850.
Dilated cardiomyopathy 1O (CMD1O). Also called: CARDIOMYOPATHY, DILATED, WITH VENTRICULAR TACHYCARDIA. Identifiers: Orphanet 154, MedGen C1837839, MONDO:0012062, OMIM 608569.

Allele frequency attached by ClinVar (database versions not stated): ESP Exome Variant Server 0.00015; gnomAD exomes 0.00026 and 0.00037; gnomAD 0.00029 and 0.00030; TOPMed 0.00027; ExAC 0.00035; 1000 Genomes Project 30x 0.00031; 1000 Genomes Project 0.00040.

Submissions (17):

CeGaT Center for Human Genetics Tuebingen
Classification: Likely benign. Last evaluated: 2026-09-01. Review status: criteria provided, single submitter. Criteria: CeGaT Center For Human Genetics Tuebingen Variant Classification Criteria Version 2. Collection method: clinical testing. Allele origin: germline. Affected: yes. Observed: 3 variant alleles.
Comment: ABCC9: BP4, BP7

Labcorp Genetics (formerly Invitae), Labcorp
Classification: Likely benign for Dilated cardiomyopathy 1O. Last evaluated: 2026-01-19. Review status: criteria provided, single submitter. Criteria: Invitae Variant Classification Sherloc (09022015). Collection method: clinical testing. Allele origin: germline.

Mayo Clinic Laboratories, Mayo Clinic
Classification: Likely benign. Last evaluated: 2025-10-21. Review status: criteria provided, single submitter. Criteria: ACMG Guidelines, 2015. Collection method: clinical testing. Allele origin: germline. Observed: 1 variant allele.
Comment: BP4, BP7

Blueprint Genetics
Classification: Likely benign. Last evaluated: 2024-11-04. Review status: criteria provided, single submitter. Criteria: ACMG Guidelines, 2015. Collection method: clinical testing. Allele origin: germline.

Women's Health and Genetics/Laboratory Corporation of America, LabCorp
Classification: Benign. Last evaluated: 2023-02-20. Review status: criteria provided, single submitter. Criteria: LabCorp Variant Classification Summary - May 2015. Collection method: clinical testing. Allele origin: germline.

ARUP Laboratories, Molecular Genetics and Genomics, ARUP Laboratories
Classification: Likely benign. Last evaluated: 2018-10-05. Review status: criteria provided, single submitter. Criteria: ARUP Molecular Germline Variant Investigation Process. Collection method: clinical testing. Allele origin: germline.

Illumina Laboratory Services, Illumina
Classification: Uncertain significance for Hypertrichotic osteochondrodysplasia Cantu type. Last evaluated: 2018-01-13. Review status: criteria provided, single submitter. Criteria: ICSL Variant Classification Criteria 13 December 2019. Collection method: clinical testing. Allele origin: germline.

Illumina Laboratory Services, Illumina
Classification: Uncertain significance for Dilated cardiomyopathy 1O. Last evaluated: 2018-01-13. Review status: criteria provided, single submitter. Criteria: ICSL Variant Classification Criteria 13 December 2019. Collection method: clinical testing. Allele origin: germline.

Ambry Genetics
Classification: Likely benign for Cardiovascular phenotype. Last evaluated: 2017-07-14. Review status: criteria provided, single submitter. Criteria: Ambry Variant Classification Scheme 2023. Collection method: clinical testing. Allele origin: germline.

CHEO Genetics Diagnostic Laboratory, Children's Hospital of Eastern Ontario
Classification: Likely benign for Cardiomyopathy. Last evaluated: 2016-01-12. Review status: criteria provided, single submitter. Criteria: ACMG Guidelines, 2015. Collection method: clinical testing. Allele origin: germline. Study: Canadian Open Genetics Repository.

GeneDx
Classification: Benign. Last evaluated: 2015-05-06. Review status: criteria provided, single submitter. Criteria: GeneDx Variant Classification (06012015). Collection method: clinical testing. Allele origin: germline. Affected: yes.
Comment: This variant is considered likely benign or benign based on one or more of the following criteria: it is a conservative change, it occurs at a poorly conserved position in the protein, it is predicted to be benign by multiple in silico algorithms, and/or has population frequency not consistent with disease.

Laboratory for Molecular Medicine, Mass General Brigham Personalized Medicine
Classification: Likely benign. Last evaluated: 2012-07-02. Review status: criteria provided, single submitter. Criteria: LMM Criteria. Collection method: clinical testing. Allele origin: germline. Observed: 6 variant alleles.
Comment: Glu519Glu in exon 10 of ABCC9: This variant is not expected to have clinical sig nificance because it does not alter an amino acid residue, is not located within the splice consensus sequence. It has been identified in 2/8600 European Americ an chromosomes from a broad population by the NHLBI Exome Sequencing Project (dbSNP rs143346402). Glu519Glu in exon 10 of ABC C9 (rs143346402; allele frequency= 2/8600) **

PreventionGenetics, part of Exact Sciences
Classification: Likely benign for ABCC9-related condition. Last evaluated: 2022-02-23. Review status: no assertion criteria provided. Collection method: clinical testing. Allele origin: germline. Not counted in ClinVar's aggregate classification.
Comment: This variant is classified as likely benign based on ACMG/AMP sequence variant interpretation guidelines (Richards et al. 2015 PMID: 25741868, with internal and published modifications).

Clinical Genetics DNA and cytogenetics Diagnostics Lab, Erasmus MC, Erasmus Medical Center
Classification: Likely benign. Review status: no assertion criteria provided. Collection method: clinical testing. Allele origin: germline. Affected: yes. Study: VKGL Data-share Consensus. Not counted in ClinVar's aggregate classification.

Clinical Genetics, Academic Medical Center
Classification: Benign. Review status: no assertion criteria provided. Collection method: clinical testing. Allele origin: germline. Affected: yes. Study: VKGL Data-share Consensus. Not counted in ClinVar's aggregate classification.

Diagnostic Laboratory, Department of Genetics, University Medical Center Groningen
Classification: Likely benign. Review status: no assertion criteria provided. Collection method: clinical testing. Allele origin: germline. Affected: yes. Study: VKGL Data-share Consensus. Not counted in ClinVar's aggregate classification.

Genome Diagnostics Laboratory, University Medical Center Utrecht
Classification: Likely benign. Review status: no assertion criteria provided. Collection method: clinical testing. Allele origin: germline. Affected: yes. Study: VKGL Data-share Consensus. Not counted in ClinVar's aggregate classification.

NM_020297.4(ABCC9):c.1557G>A (p.Glu519=)

Gene: ABCC9 (ATP binding cassette subfamily C member 9; minus strand). Cytogenetic location: 12p12.1.
Variant type: single nucleotide variant.
Coding change: c.1557G>A on transcript NM_020297.4 (MANE Select); coding-DNA position 1557, G replaced by A.
Protein change: p.Glu519=; no amino-acid change (glutamic acid 519 retained).
Molecular consequence: synonymous variant.
Genome position (GRCh38, 1-based): chr12:21,906,187, C>T on the plus strand (G>A on the coding strand, the complement: ABCC9 is on the minus strand). VCF-style: chr12-21906187-C-T. GRCh37 (hg19) VCF-style: chr12-22059121-C-T.
Other names: p.Glu519=; c.1557G>A, p.Glu519= (NM_001377273.1, NM_005691.4); c.693G>A, p.Glu231= (NM_001377274.1); c.1557G>A (NM_020297.3).
Identifiers: ClinVar variation 45388 (VCV000045388.61), dbSNP rs143346402, ClinGen allele CA136210.